The following is an entry in ClinVar:

ClinVar aggregate classification (germline): Uncertain significance (1 of 4 stars; one submission).

Conditions:
Inborn genetic diseases. Identifiers: MedGen C0950123, MeSH D030342.

Allele frequency attached by ClinVar (database versions not stated): TOPMed 0.00001.
gnomAD v4.1: 1 of 1,613,984 alleles (0.000062%); highest among the groups gnomAD compares: African/African-American, 0.0013%; no homozygotes.

Submission:

Ambry Genetics
Classification: Uncertain significance for Inborn genetic diseases. Last evaluated: 2022-11-21. Review status: criteria provided, single submitter. Criteria: Ambry Variant Classification Scheme 2023. Collection method: clinical testing. Allele origin: germline.
Comment: The p.K565R variant (also known as c.1694A>G), located in coding exon 7 of the ATR gene, results from an A to G substitution at nucleotide position 1694. The lysine at codon 565 is replaced by arginine, an amino acid with highly similar properties. This amino acid position is conserved. In addition, this alteration is predicted to be tolerated by in silico analysis. Since supporting evidence is limited at this time, the clinical significance of this alteration remains unclear.

NM_001184.4(ATR):c.1694A>G (p.Lys565Arg)

Gene: ATR (ATR checkpoint kinase; minus strand). Cytogenetic location: 3q23.
Variant type: single nucleotide variant.
Coding change: c.1694A>G on transcript NM_001184.4 (MANE Select); coding-DNA position 1694, A replaced by G.
Protein change: p.Lys565Arg; replaces lysine 565 with arginine.
Molecular consequence: missense variant.
Genome position (GRCh38, 1-based): chr3:142,559,289, T>C on the plus strand (A>G on the coding strand, the complement: ATR is on the minus strand). VCF-style: chr3-142559289-T-C. GRCh37 (hg19) VCF-style: chr3-142278131-T-C.
Other names: c.1502A>G, p.Lys501Arg (NM_001354579.2); short protein forms K501R, K565R.
Identifiers: ClinVar variation 2496592 (VCV002496592.2), dbSNP rs2034794541, ClinGen allele CA354821901.
Genomic context (GRCh38, chr3:142,559,289, plus strand): 5'-TCTGTTGCTAATTTGTACTCACCTTGCATATAAATCAAAGCATCATAAATTTTCACCACC[T>C]TATCAATGGTTGCCTCCAGGTCCAGTTTCTGAACAGATTCTAACAAACTTCTACAGCTCT-3'
Protein context (NP_001175.2, residues 555-575): QKLDLEATID[Lys565Arg]VVKIYDALIY